The following is an entry in ClinVar:

ClinVar aggregate classification (germline): Uncertain significance (1 of 4 stars; one submission).

Conditions:
EPILEPSY, CHILDHOOD ABSENCE, SUSCEPTIBILITY TO, 2 (ECA2). Identifiers: Orphanet 64280, MedGen C1843244, OMIM 607681.
Febrile seizures, familial, 8 (FEB8). Also called: CONVULSIONS, FAMILIAL FEBRILE, 8. Identifiers: Orphanet 36387, MedGen C1969810, MONDO:0011891, OMIM 607681.

Submission:

Labcorp Genetics (formerly Invitae), Labcorp
Classification: Uncertain significance for Febrile seizures, familial, 8; EPILEPSY, CHILDHOOD ABSENCE, SUSCEPTIBILITY TO, 2. Last evaluated: 2023-02-18. Review status: criteria provided, single submitter. Criteria: Invitae Variant Classification Sherloc (09022015). Collection method: clinical testing. Allele origin: germline.
Comment: In summary, the available evidence is currently insufficient to determine the role of this variant in disease. Therefore, it has been classified as a Variant of Uncertain Significance. Advanced modeling of protein sequence and biophysical properties (such as structural, functional, and spatial information, amino acid conservation, physicochemical variation, residue mobility, and thermodynamic stability) performed at Invitae indicates that this missense variant is expected to disrupt GABRG2 protein function. This variant has not been reported in the literature in individuals affected with GABRG2-related conditions. This variant is not present in population databases (gnomAD no frequency). This sequence change replaces isoleucine, which is neutral and non-polar, with phenylalanine, which is neutral and non-polar, at codon 281 of the GABRG2 protein (p.Ile281Phe).

NM_198904.4(GABRG2):c.841A>T (p.Ile281Phe)

Gene: GABRG2 (gamma-aminobutyric acid type A receptor subunit gamma2; plus strand). Cytogenetic location: 5q34.
Variant type: single nucleotide variant.
Coding change: c.841A>T on transcript NM_198904.4 (MANE Select); coding-DNA position 841, A replaced by T.
Protein change: p.Ile281Phe; replaces isoleucine 281 with phenylalanine.
Molecular consequence: missense variant.
Genome position (GRCh38, 1-based): chr5:162,142,235, A>T. VCF-style: chr5-162142235-A-T. GRCh37 (hg19) VCF-style: chr5-161569241-A-T.
Other names: c.841A>T, p.Ile281Phe (NM_000816.3, NM_001375340.1); c.832A>T, p.Ile278Phe (NM_001375339.1); c.838A>T, p.Ile280Phe (NM_001375341.1, NM_001375342.1); c.961A>T, p.Ile321Phe (NM_001375343.1, NM_198903.2); c.880A>T, p.Ile294Phe (NM_001375344.1); c.775A>T, p.Ile259Phe (NM_001375345.1, NM_001375346.1); c.754A>T, p.Ile252Phe (NM_001375347.1); c.421A>T, p.Ile141Phe (NM_001375348.1, NM_001375350.1); and 1 more; short protein forms I141F, I186F, I252F, I280F, I259F, I278F, I281F, I294F.
Identifiers: ClinVar variation 2944515 (VCV002944515.3), dbSNP rs2532726208, ClinGen allele CA362182105.